The following is an entry in ClinVar:

ClinVar aggregate classification (germline): Uncertain significance. Review status: criteria provided, multiple submitters, no conflicts (2 of 4 stars). 5 submissions from 5 submitters: Uncertain significance (5). Last evaluated 2025-12-15.

Conditions:
Hereditary cancer-predisposing syndrome. Also called: Tumor predisposition; Hereditary Cancer Syndrome; Neoplastic Syndromes, Hereditary; Hereditary neoplastic syndrome. Identifiers: Orphanet 140162, MedGen C0027672, MeSH D009386, MONDO:0015356.
Microcephaly, normal intelligence and immunodeficiency (NBS). Also called: IMMUNODEFICIENCY, MICROCEPHALY, AND CHROMOSOMAL INSTABILITY; Nijmegen breakage syndrome; Microcephaly with normal intelligence immunodeficiency and lymphoreticular malignancies; Nonsyndromal microcephaly autosomal recessive with normal intelligence; Seemanova syndrome 2; BERLIN BREAKAGE SYNDROME. Identifiers: Orphanet 647, MedGen C0398791, MONDO:0009623, OMIM 251260.

Allele frequency attached by ClinVar (database versions not stated): ExAC 0.00001; gnomAD 0.00001; gnomAD exomes 0.00001; TOPMed 0.00002.
gnomAD v4.1: 6 of 1,613,672 alleles (0.00037%); highest among the groups gnomAD compares: African/African-American, 0.004%; no homozygotes.

Submissions (5):

Ambry Genetics
Classification: Uncertain significance for Hereditary cancer-predisposing syndrome. Last evaluated: 2025-12-15. Review status: criteria provided, single submitter. Criteria: Ambry Variant Classification Scheme 2023. Collection method: clinical testing. Allele origin: germline.
Comment: The p.V562I variant (also known as c.1684G>A), located in coding exon 11 of the NBN gene, results from a G to A substitution at nucleotide position 1684. The valine at codon 562 is replaced by isoleucine, an amino acid with highly similar properties. This amino acid position is somewhat well conserved in available vertebrate species. In addition, this alteration is predicted to be tolerated by in silico analysis. Since supporting evidence is limited at this time, the clinical significance of this alteration remains unclear.

Labcorp Genetics (formerly Invitae), Labcorp
Classification: Uncertain significance for Microcephaly, normal intelligence and immunodeficiency. Last evaluated: 2024-09-30. Review status: criteria provided, single submitter. Criteria: Invitae Variant Classification Sherloc (09022015). Collection method: clinical testing. Allele origin: germline.
Comment: This sequence change replaces valine, which is neutral and non-polar, with isoleucine, which is neutral and non-polar, at codon 562 of the NBN protein (p.Val562Ile). This variant is present in population databases (rs754651655, gnomAD 0.007%). This variant has not been reported in the literature in individuals affected with NBN-related conditions. ClinVar contains an entry for this variant (Variation ID: 481829). An algorithm developed to predict the effect of missense changes on protein structure and function outputs the following: PolyPhen-2: "Benign". The isoleucine amino acid residue is found in multiple mammalian species, which suggests that this missense change does not adversely affect protein function. In summary, the available evidence is currently insufficient to determine the role of this variant in disease. Therefore, it has been classified as a Variant of Uncertain Significance.

GeneDx
Classification: Uncertain significance. Last evaluated: 2022-08-18. Review status: criteria provided, single submitter. Criteria: GeneDx Variant Classification Process June 2021. Collection method: clinical testing. Allele origin: germline. Affected: yes.
Comment: Not observed at significant frequency in large population cohorts (gnomAD); In silico analysis supports that this missense variant does not alter protein structure/function; Has not been previously published as pathogenic or benign to our knowledge

Genome-Nilou Lab
Classification: Uncertain significance for Microcephaly, normal intelligence and immunodeficiency. Last evaluated: 2021-11-07. Review status: criteria provided, single submitter. Criteria: ACMG Guidelines, 2015. Collection method: clinical testing. Allele origin: germline. Affected: no.

PreventionGenetics, part of Exact Sciences
Classification: Uncertain significance. Last evaluated: 2017-06-09. Review status: criteria provided, single submitter. Criteria: ACMG Guidelines, 2015. Collection method: clinical testing. Allele origin: germline.

NM_002485.5(NBN):c.1684G>A (p.Val562Ile)

Gene: NBN (nibrin; minus strand). Cytogenetic location: 8q21.3.
Variant type: single nucleotide variant.
Coding change: c.1684G>A on transcript NM_002485.5 (MANE Select); coding-DNA position 1684, G replaced by A.
Protein change: p.Val562Ile; replaces valine 562 with isoleucine.
Molecular consequence: missense variant.
Genome position (GRCh38, 1-based): chr8:89,953,405, C>T on the plus strand (G>A on the coding strand, the complement: NBN is on the minus strand). VCF-style: chr8-89953405-C-T. GRCh37 (hg19) VCF-style: chr8-90965633-C-T.
Other names: c.1438G>A, p.Val480Ile (NM_001024688.3); short protein forms V562I, V480I.
Identifiers: ClinVar variation 481829 (VCV000481829.24), dbSNP rs754651655, ClinGen allele CA4802689.